The following is an entry in ClinVar:

NM_005141.5(FGB):c.*373G>A

Gene: FGB (fibrinogen beta chain; plus strand). Cytogenetic location: 4q31.3.
Variant type: single nucleotide variant.
Coding change: c.*373G>A on transcript NM_005141.5 (MANE Select); 373 bases downstream of the stop codon, G replaced by A.
Molecular consequence: 3 prime UTR variant.
Genome position (GRCh38, 1-based): chr4:154,571,023, G>A. VCF-style: chr4-154571023-G-A. GRCh37 (hg19) VCF-style: chr4-155492175-G-A.
Other names: c.*373G>A (NM_001184741.1, NM_001382759.1, NM_001382760.1 and 3 more transcripts); c.*514G>A (NM_001382761.1); c.*623G>A (NM_001382764.1).
Identifiers: ClinVar variation 347781 (VCV000347781.5), dbSNP rs2227420, ClinGen allele CA10618084.

ClinVar aggregate classification (germline): Benign (1 of 4 stars; one submission).

Conditions:
Congenital afibrinogenemia. Identifiers: Orphanet 335, Orphanet 98880, MedGen C2584774, MONDO:0008737, OMIM 202400.

Allele frequency attached by ClinVar (database versions not stated): TOPMed 0.01272; 1000 Genomes Project 0.01657; 1000 Genomes Project 30x 0.01843.
gnomAD v4.1: 1,904 of 308,986 alleles (0.62%); highest among the groups gnomAD compares: African/African-American, 3.9%; 42 homozygotes.

Submission:

Illumina Laboratory Services, Illumina
Classification: Benign for Congenital afibrinogenemia. Last evaluated: 2018-01-13. Review status: criteria provided, single submitter. Criteria: ICSL Variant Classification Criteria 13 December 2019. Collection method: clinical testing. Allele origin: germline.
Comment: This variant was observed in the ICSL laboratory as part of a predisposition screen in an ostensibly healthy population. It had not been previously curated by ICSL or reported in the Human Gene Mutation Database (HGMD: prior to June 1st, 2018), and was therefore a candidate for classification through an automated scoring system. Utilizing variant allele frequency, disease prevalence and penetrance estimates, and inheritance mode, an automated score was calculated to assess if this variant is too frequent to cause the disease. Based on the score and internal cut-off values, a variant classified as benign is not then subjected to further curation. The score for this variant resulted in a classification of benign for this disease.